The following is an entry in ClinVar:

NM_152309.3(PIK3AP1):c.2311A>G (p.Met771Val)

Gene: PIK3AP1 (phosphoinositide-3-kinase adaptor protein 1; minus strand). Cytogenetic location: 10q24.1.
Variant type: single nucleotide variant.
Coding change: c.2311A>G on transcript NM_152309.3 (MANE Select); coding-DNA position 2311, A replaced by G.
Protein change: p.Met771Val; replaces methionine 771 with valine.
Molecular consequence: missense variant.
Genome position (GRCh38, 1-based): chr10:96,602,329, T>C on the plus strand (A>G on the coding strand, the complement: PIK3AP1 is on the minus strand). VCF-style: chr10-96602329-T-C. GRCh37 (hg19) VCF-style: chr10-98362086-T-C.
Other names: short protein forms M771V.
Identifiers: ClinVar variation 2317280 (VCV002317280.4), dbSNP rs149381805, ClinGen allele CA5626001.

ClinVar aggregate classification (germline): Conflicting classifications of pathogenicity. Review status: criteria provided, conflicting classifications (1 of 4 stars). 2 submissions from 2 submitters: Uncertain significance (1); Likely benign (1). Last evaluated 2024-04-29.

Conditions:
Infantile spasms. Also called: Infantile spasm. Identifiers: MedGen C3887898, HP:0012469.

Allele frequency attached by ClinVar (database versions not stated): ExAC 0.00002; gnomAD exomes 0.00002; gnomAD 0.00003; TOPMed 0.00003; ESP Exome Variant Server 0.00008.
gnomAD v4.1: 31 of 1,611,430 alleles (0.0019%); highest among the groups gnomAD compares: Middle Eastern, 0.016%; no homozygotes.

Submissions (2):

Labcorp Genetics (formerly Invitae), Labcorp
Classification: Uncertain significance for Infantile spasms. Last evaluated: 2024-04-29. Review status: criteria provided, single submitter. Criteria: Invitae Variant Classification Sherloc (09022015). Collection method: clinical testing. Allele origin: germline.
Comment: This sequence change replaces methionine, which is neutral and non-polar, with valine, which is neutral and non-polar, at codon 771 of the PIK3AP1 protein (p.Met771Val). This variant is present in population databases (rs149381805, gnomAD 0.006%). This variant has not been reported in the literature in individuals affected with PIK3AP1-related conditions. ClinVar contains an entry for this variant (Variation ID: 2317280). Algorithms developed to predict the effect of missense changes on protein structure and function output the following: SIFT: "Not Available"; PolyPhen-2: "Benign"; Align-GVGD: "Not Available". The valine amino acid residue is found in multiple mammalian species, which suggests that this missense change does not adversely affect protein function. In summary, the available evidence is currently insufficient to determine the role of this variant in disease. Therefore, it has been classified as a Variant of Uncertain Significance.

Ambry Genetics
Classification: Likely benign. Last evaluated: 2022-10-06. Review status: criteria provided, single submitter. Criteria: Ambry Variant Classification Scheme 2023. Collection method: clinical testing. Allele origin: germline.